The following is an entry in ClinVar:

ClinVar aggregate classification (germline): Benign/Likely benign. Review status: criteria provided, multiple submitters, no conflicts (2 of 4 stars). 2 submissions from 2 submitters: Benign (1); Likely benign (1). Last evaluated 2026-06-18.

Conditions:
EFNB1-related disorder. Also called: EFNB1-related condition.

Allele frequency attached by ClinVar (database versions not stated): gnomAD 0.00001; TOPMed 0.00005; ExAC 0.00012.
gnomAD v4.1: 25 of 1,210,167 alleles (0.0021%); highest among the groups gnomAD compares: Admixed American, 0.054%; no homozygotes.

Submissions (2):

PreventionGenetics, part of Exact Sciences
Classification: Likely benign for EFNB1-related condition. Last evaluated: 2026-06-18. Review status: criteria provided, single submitter. Criteria: ACMG Guidelines, 2015. Collection method: clinical testing. Allele origin: germline.
Comment: This variant is classified as likely benign based on ACMG/AMP sequence variant interpretation guidelines (Richards et al. 2015 PMID: 25741868, with internal and published modifications).

Labcorp Genetics (formerly Invitae), Labcorp
Classification: Benign. Last evaluated: 2023-10-17. Review status: criteria provided, single submitter. Criteria: Invitae Variant Classification Sherloc (09022015). Collection method: clinical testing. Allele origin: germline.

NM_004429.5(EFNB1):c.429G>A (p.Glu143=)

Gene: EFNB1 (ephrin B1; plus strand). Cytogenetic location: Xq13.1.
Variant type: single nucleotide variant.
Coding change: c.429G>A on transcript NM_004429.5 (MANE Select); coding-DNA position 429, G replaced by A.
Protein change: p.Glu143=; no amino-acid change (glutamic acid 143 retained).
Molecular consequence: synonymous variant.
Genome position (GRCh38, 1-based): chrX:68,839,686, G>A. VCF-style: chrX-68839686-G-A. GRCh37 (hg19) VCF-style: chrX-68059529-G-A.
Other names: c.429G>A (NM_004429.4).
Identifiers: ClinVar variation 2192373 (VCV002192373.5), dbSNP rs746106034, ClinGen allele CA10438152.